The following is an entry in ClinVar:

ClinVar aggregate classification (germline): Uncertain significance (1 of 4 stars; one submission).

Conditions:
Noonan syndrome 9 (NS9). Identifiers: Orphanet 648, MedGen C4225282, MONDO:0014691, OMIM 616559.

Submission:

Labcorp Genetics (formerly Invitae), Labcorp
Classification: Uncertain significance for Noonan syndrome 9. Last evaluated: 2024-09-11. Review status: criteria provided, single submitter. Criteria: Invitae Variant Classification Sherloc (09022015). Collection method: clinical testing. Allele origin: germline.
Comment: This sequence change falls in intron 2 of the SOS2 gene. It does not directly change the encoded amino acid sequence of the SOS2 protein. This variant is not present in population databases (gnomAD no frequency). This variant has not been reported in the literature in individuals affected with SOS2-related conditions. Algorithms developed to predict the effect of sequence changes on RNA splicing suggest that this variant may disrupt the consensus splice site. In summary, the available evidence is currently insufficient to determine the role of this variant in disease. Therefore, it has been classified as a Variant of Uncertain Significance.

NM_006939.4(SOS2):c.214-7T>G

Gene: SOS2 (SOS Ras/Rho guanine nucleotide exchange factor 2; minus strand). Cytogenetic location: 14q21.3.
Variant type: single nucleotide variant.
Coding change: c.214-7T>G on transcript NM_006939.4 (MANE Select); 7 bases into the intron before coding-DNA position 214, T replaced by G.
Molecular consequence: intron variant.
Genome position (GRCh38, 1-based): chr14:50,201,091, A>C on the plus strand (T>G on the coding strand, the complement: SOS2 is on the minus strand). VCF-style: chr14-50201091-A-C. GRCh37 (hg19) VCF-style: chr14-50667809-A-C.
Other names: c.214-7T>G (NM_001411020.1).
Identifiers: ClinVar variation 3706665 (VCV003706665.2).
Genomic context (GRCh38, chr14:50,201,091, plus strand): 5'-ATCAGCAATGGCCCATTTATCAATTGGGTGAGGAAAGGTCTTCTGAACTCGCTCCTGCTC[A>C]ATCACAGCAGAACCATTGTAGTATTAATAAAAGTGTTCATAAATAGGAAATTCATACAAA-3'